The following is an entry in ClinVar:

ClinVar aggregate classification (germline): Uncertain significance. Review status: criteria provided, multiple submitters, no conflicts (2 of 4 stars). 2 submissions from 2 submitters: Uncertain significance (2). Last evaluated 2024-06-04.

Conditions:
Fanconi anemia complementation group P. Also called: SLX4-Related Fanconi Anemia. Identifiers: Orphanet 84, MedGen C3469542, MONDO:0013499, OMIM 613951.
Fanconi anemia (FA). Also called: Fanconi's anemia. Identifiers: Orphanet 84, MedGen C0015625, MeSH D005199, MONDO:0019391.

Submissions (2):

Fulgent Genetics
Classification: Uncertain significance for Fanconi anemia complementation group P. Last evaluated: 2024-06-04. Review status: criteria provided, single submitter. Criteria: ACMG Guidelines, 2015. Collection method: clinical testing. Allele origin: germline.

Labcorp Genetics (formerly Invitae), Labcorp
Classification: Uncertain significance for Fanconi anemia. Last evaluated: 2022-10-31. Review status: criteria provided, single submitter. Criteria: Invitae Variant Classification Sherloc (09022015). Collection method: clinical testing. Allele origin: germline.
Comment: ClinVar contains an entry for this variant (Variation ID: 407936). Algorithms developed to predict the effect of missense changes on protein structure and function (SIFT, PolyPhen-2, Align-GVGD) all suggest that this variant is likely to be tolerated. In summary, the available evidence is currently insufficient to determine the role of this variant in disease. Therefore, it has been classified as a Variant of Uncertain Significance. This variant has not been reported in the literature in individuals affected with SLX4-related conditions. This sequence change replaces threonine, which is neutral and polar, with serine, which is neutral and polar, at codon 1320 of the SLX4 protein (p.Thr1320Ser). This variant is not present in population databases (gnomAD no frequency).

NM_032444.4(SLX4):c.3958A>T (p.Thr1320Ser)

Gene: SLX4 (SLX4 structure-specific endonuclease subunit; minus strand). Cytogenetic location: 16p13.3.
Variant type: single nucleotide variant.
Coding change: c.3958A>T on transcript NM_032444.4 (MANE Select); coding-DNA position 3958, A replaced by T.
Protein change: p.Thr1320Ser; replaces threonine 1320 with serine.
Molecular consequence: missense variant.
Genome position (GRCh38, 1-based): chr16:3,589,680, T>A on the plus strand (A>T on the coding strand, the complement: SLX4 is on the minus strand). VCF-style: chr16-3589680-T-A. GRCh37 (hg19) VCF-style: chr16-3639681-T-A.
Other names: c.3958A>T (LRG_503t1); short protein forms T1320S.
Identifiers: ClinVar variation 407936 (VCV000407936.9), dbSNP rs1060501797, ClinGen allele CA16615155.
Genomic context (GRCh38, chr16:3,589,680, plus strand): 5'-GGCCTTGCCTTCTGCCGTCAGAAGTTCCTGGAGAGACGGGAGTGAGGCATGAGGACGGTG[T>A]CTGGGGCGGTGGTGTCTGGGGCCTGATGACAGAAAACTTCTGTGCGACTTCGTTCCCTTC-3'
Protein context (NP_115820.2, residues 1310-1330): VIRPQTPPPQ[Thr1320Ser]PSSCLTPVSP